The following is an entry in ClinVar:

NM_001006630.2(CHRM2):c.1135C>T (p.Pro379Ser)

Genes: CHRM2 (cholinergic receptor muscarinic 2; plus strand), LOC349160 (uncharacterized LOC349160; minus strand). Cytogenetic location: 7q33.
Variant type: single nucleotide variant.
Coding change: c.1135C>T on transcript NM_001006630.2 (MANE Select); coding-DNA position 1135, C replaced by T.
Protein change: p.Pro379Ser; replaces proline 379 with serine.
Molecular consequence: missense variant.
Genome position (GRCh38, 1-based): chr7:137,016,000, C>T. VCF-style: chr7-137016000-C-T. GRCh37 (hg19) VCF-style: chr7-136700747-C-T.
Other names: c.1135C>T, p.Pro379Ser (NM_000739.3, NM_001006626.3, NM_001006627.3 and 6 more transcripts); short protein forms P379S.
Identifiers: ClinVar variation 1415423 (VCV001415423.6), dbSNP rs36044268, ClinGen allele CA167698578.

ClinVar aggregate classification (germline): Uncertain significance (1 of 4 stars; one submission).

gnomAD v4.1: 3 of 1,613,146 alleles (0.00019%); highest among the groups gnomAD compares: East Asian, 0.0045%; no homozygotes.

Submission:

Labcorp Genetics (formerly Invitae), Labcorp
Classification: Uncertain significance. Last evaluated: 2021-11-05. Review status: criteria provided, single submitter. Criteria: Invitae Variant Classification Sherloc (09022015). Collection method: clinical testing. Allele origin: germline.
Comment: This variant has not been reported in the literature in individuals affected with CHRM2-related conditions. This variant is present in population databases (rs36044268, gnomAD 0.006%). In summary, the available evidence is currently insufficient to determine the role of this variant in disease. Therefore, it has been classified as a Variant of Uncertain Significance. Algorithms developed to predict the effect of missense changes on protein structure and function (SIFT, PolyPhen-2, Align-GVGD) all suggest that this variant is likely to be tolerated. This sequence change replaces proline, which is neutral and non-polar, with serine, which is neutral and polar, at codon 379 of the CHRM2 protein (p.Pro379Ser).